The following is an entry in ClinVar:

NM_020702.5(MYORG):c.1698_1699delinsAAT (p.Asp567fs)

Gene: MYORG (myogenesis regulating glycosidase; minus strand). Cytogenetic location: 9p13.3.
Variant type: Indel.
Coding change: c.1698_1699delinsAAT on transcript NM_020702.5 (MANE Select); coding-DNA positions 1698 to 1699, CG replaced by AAT.
Protein change: p.Asp567fs; shifts the reading frame from aspartic acid 567.
Molecular consequence: frameshift variant.
Genome position (GRCh38, 1-based): chr9:34,371,245-34,371,246, CG replaced by ATT on the plus strand (CG replaced by AAT on the coding strand, the reverse complement: MYORG is on the minus strand). VCF-style: chr9-34371245-CG-ATT. GRCh37 (hg19) VCF-style: chr9-34371243-CG-ATT.
Other names: short protein forms D567fs.
Identifiers: ClinVar variation 2635176 (VCV002635176.2), dbSNP rs2491649495, ClinGen allele CA2695201579.

ClinVar aggregate classification (germline): Likely pathogenic (1 of 4 stars; one submission).

Conditions:
MYORG-related disorder. Also called: MYORG-related condition.

Submission:

PreventionGenetics, part of Exact Sciences
Classification: Likely pathogenic for MYORG-related condition. Last evaluated: 2026-07-08. Review status: criteria provided, single submitter. Criteria: ACMG Guidelines, 2015. Collection method: clinical testing. Allele origin: germline.
Comment: The MYORG c.1698_1699delinsAAT variant is predicted to result in a frameshift and premature protein termination (p.Asp567Ilefs*55). To our knowledge, this variant has not been reported in the literature or in a large population database (gnomAD), indicating this variant is rare. Frameshift variants in MYORG are expected to be pathogenic. This variant is interpreted as likely pathogenic.